The following is an entry in ClinVar:

NM_001256071.3(RNF213):c.809T>C (p.Met270Thr)

Gene: RNF213 (ring finger protein 213; plus strand). Cytogenetic location: 17q25.3.
Variant type: single nucleotide variant.
Coding change: c.809T>C on transcript NM_001256071.3 (MANE Select); coding-DNA position 809, T replaced by C.
Protein change: p.Met270Thr; replaces methionine 270 with threonine.
Molecular consequence: missense variant.
Genome position (GRCh38, 1-based): chr17:80,288,362, T>C. VCF-style: chr17-80288362-T-C. GRCh37 (hg19) VCF-style: chr17-78262161-T-C.
Other names: p.Met270Thr; c.809T>C (NM_001256071.2); c.809T>C, p.Met270Thr (NM_020954.4); short protein forms M270T.
Identifiers: ClinVar variation 1601109 (VCV001601109.12), dbSNP rs17857135, ClinGen allele CA8819340.
Genomic context (GRCh38, chr17:80,288,362, plus strand): 5'-GCTCTGAGCCCGGGACAGAACTGCAGACCACCGAGCAACAGGCAGGGGCCTCAGCCTCTA[T>C]GGTGAGTCATCCGGGAGAGATGGCCTGGGAGTGGCACTGAGCCCTCGGCACCTGGGCTCT-3'
Protein context (NP_001243000.2, residues 260-280): TEQQAGASAS[Met270Thr]AVDAVAEPAN

ClinVar aggregate classification (germline): Benign. Review status: criteria provided, multiple submitters, no conflicts (2 of 4 stars). 4 submissions from 4 submitters: Benign (3). 1 of the submissions does not count toward it. Last evaluated 2026-01-28.

Conditions:
RNF213-related disorder. Also called: RNF213-related condition.

Allele frequency attached by ClinVar (database versions not stated): gnomAD exomes 0.15166 and 0.16940; gnomAD 0.21920 and 0.22509; TOPMed 0.22422; ESP Exome Variant Server 0.22477; 1000 Genomes Project 0.21146; ExAC 0.15923; 1000 Genomes Project 30x 0.21611.
gnomAD v4.1: 280,125 of 1,611,786 alleles (17%); highest among the groups gnomAD compares: African/African-American, 41%; 27,277 homozygotes.

Submissions (4):

Labcorp Genetics (formerly Invitae), Labcorp
Classification: Benign. Last evaluated: 2026-01-28. Review status: criteria provided, single submitter. Criteria: Invitae Variant Classification Sherloc (09022015). Collection method: clinical testing. Allele origin: germline.

Mayo Clinic Laboratories, Mayo Clinic
Classification: Benign. Last evaluated: 2022-04-26. Review status: criteria provided, single submitter. Criteria: ACMG Guidelines, 2015. Collection method: clinical testing. Allele origin: germline. Observed: 109 variant alleles.

Breakthrough Genomics
Classification: Benign. Review status: criteria provided, single submitter. Criteria: ACMG Guidelines, 2015. Collection method: not provided. Allele origin: germline. Inheritance: Autosomal dominant inheritance. Affected: yes.

PreventionGenetics, part of Exact Sciences
Classification: Benign for RNF213-related condition. Last evaluated: 2019-11-08. Review status: no assertion criteria provided. Collection method: clinical testing. Allele origin: germline. Not counted in ClinVar's aggregate classification.
Comment: This variant is classified as benign based on ACMG/AMP sequence variant interpretation guidelines (Richards et al. 2015 PMID: 25741868, with internal and published modifications).